The following is an entry in ClinVar:

NM_004984.4(KIF5A):c.2262C>T (p.Ser754=)

Gene: KIF5A (kinesin family member 5A; plus strand). Cytogenetic location: 12q13.3.
Variant type: single nucleotide variant.
Coding change: c.2262C>T on transcript NM_004984.4 (MANE Select); coding-DNA position 2262, C replaced by T.
Protein change: p.Ser754=; no amino-acid change (serine 754 retained).
Molecular consequence: synonymous variant.
Genome position (GRCh38, 1-based): chr12:57,576,824, C>T. VCF-style: chr12-57576824-C-T. GRCh37 (hg19) VCF-style: chr12-57970607-C-T.
Other names: c.1995C>T, p.Ser665= (NM_001354705.2).
Identifiers: ClinVar variation 510493 (VCV000510493.10), dbSNP rs143260492, ClinGen allele CA6653061.

ClinVar aggregate classification (germline): Likely benign. Review status: criteria provided, multiple submitters, no conflicts (2 of 4 stars). 3 submissions from 3 submitters: Likely benign (3). Last evaluated 2026-01-10.

Conditions:
Inborn genetic diseases. Identifiers: MedGen C0950123, MeSH D030342.
Spastic paraplegia. Identifiers: MedGen C0037772, HP:0001258.

Allele frequency attached by ClinVar (database versions not stated): TOPMed 0.00006; gnomAD 0.00007; ExAC 0.00011; gnomAD exomes 0.00011; ESP Exome Variant Server 0.00015; 1000 Genomes Project 30x 0.00016; 1000 Genomes Project 0.00020.
gnomAD v4.1: 80 of 1,613,708 alleles (0.005%); highest among the groups gnomAD compares: South Asian, 0.041%; no homozygotes.

Submissions (3):

Labcorp Genetics (formerly Invitae), Labcorp
Classification: Likely benign for Spastic paraplegia. Last evaluated: 2026-01-10. Review status: criteria provided, single submitter. Criteria: Invitae Variant Classification Sherloc (09022015). Collection method: clinical testing. Allele origin: germline.

Ambry Genetics
Classification: Likely benign for Inborn genetic diseases. Last evaluated: 2025-08-09. Review status: criteria provided, single submitter. Criteria: Ambry Variant Classification Scheme 2023. Collection method: clinical testing. Allele origin: germline.

GeneDx
Classification: Likely benign. Last evaluated: 2017-06-26. Review status: criteria provided, single submitter. Criteria: GeneDx Variant Classification (06012015). Collection method: clinical testing. Allele origin: germline. Affected: yes.
Comment: This variant is considered likely benign or benign based on one or more of the following criteria: it is a conservative change, it occurs at a poorly conserved position in the protein, it is predicted to be benign by multiple in silico algorithms, and/or has population frequency not consistent with disease.